The following is an entry in ClinVar:

ClinVar aggregate classification (germline): Pathogenic. Review status: criteria provided, multiple submitters, no conflicts (2 of 4 stars). 2 submissions from 2 submitters: Pathogenic (2). Last evaluated 2021-01-27.

Conditions:
Fanconi anemia, complementation group S (FANCS). Identifiers: MedGen C4554406, MONDO:0054748, OMIM 617883.
Hereditary breast ovarian cancer syndrome. Also called: BRCA1- and BRCA2-Associated Hereditary Breast and Ovarian Cancer; Hereditary breast and ovarian cancer; Hereditary breast and ovarian cancer syndrome; Hereditary breast and ovarian cancer syndrome (HBOC); Breast and ovarian cancer; Hereditary breast and/or ovarian cancer syndrome. Identifiers: Orphanet 145, MedGen C0677776, MeSH D061325, MONDO:0003582. Disease mechanism: loss of function.

Submissions (2):

Department of Pathology and Laboratory Medicine, Sinai Health System
Classification: Pathogenic for Fanconi anemia, complementation group S. Last evaluated: 2021-01-27. Review status: criteria provided, single submitter. Criteria: ACMG Guidelines, 2015. Collection method: clinical testing. Allele origin: germline. Affected: no.

Labcorp Genetics (formerly Invitae), Labcorp
Classification: Pathogenic for Hereditary breast ovarian cancer syndrome. Last evaluated: 2020-11-03. Review status: criteria provided, single submitter. Criteria: Invitae Variant Classification Sherloc (09022015). Collection method: clinical testing. Allele origin: germline.
Comment: For these reasons, this variant has been classified as Pathogenic. This variant has not been reported in the literature in individuals with BRCA1-related conditions. This variant is not present in population databases (ExAC no frequency). This sequence change creates a premature translational stop signal (p.Val370Glufs*6) in the BRCA1 gene. It is expected to result in an absent or disrupted protein product. Loss-of-function variants in BRCA1 are known to be pathogenic (PMID: 20104584).

Literature cited by the submitters: PubMed 20104584 (cited by Labcorp Genetics (formerly Invitae), Labcorp).

NM_007294.4(BRCA1):c.1104_1108dup (p.Val370fs)

Gene: BRCA1 (BRCA1 DNA repair associated; minus strand). Cytogenetic location: 17q21.31.
Variant type: Duplication.
Coding change: c.1104_1108dup on transcript NM_007294.4 (MANE Select); coding-DNA positions 1104 to 1108, 5 bases duplicated (AGATG; older notation c.1104_1108dupAGATG).
Protein change: p.Val370fs; shifts the reading frame from valine 370.
Molecular consequence: frameshift variant. On other transcripts: intron variant (137).
Genome position (GRCh38, 1-based): chr17:43,094,423-43,094,427, CATCT duplicated on the plus strand (AGATG on the coding strand, the reverse complement: BRCA1 is on the minus strand). VCF-style (leftmost placement, unchanged base first): chr17-43094422-A-ACATCT. GRCh37 (hg19) VCF-style: chr17-41246439-A-ACATCT.
Other names: c.706+317_706+321dup (NM_001408416.1, NM_001408413.1); c.577+317_577+321dup (NM_001408484.1, NM_001408478.1, NM_001408514.1 and 9 more transcripts); c.661+317_661+321dup (NM_001408450.1, NM_001408434.1, NM_001408447.1 and 6 more transcripts); c.784+317_784+321dup (NM_001408398.1, NM_001407992.1, NM_001408400.1 and 13 more transcripts); c.664+317_664+321dup (NM_001408440.1, NM_001408428.1, NM_001408441.1 and 12 more transcripts); c.670+1419_670+1423dup (NM_001408418.1, NM_001408423.1, NM_001408420.1 and 2 more transcripts); c.787+317_787+321dup (NM_001407981.1, NM_001407970.1, NM_001407979.1 and 19 more transcripts); c.643+317_643+321dup (NM_001408462.1, NM_001408470.1, NM_001408464.1 and 3 more transcripts); and 40 more; short protein forms V370fs, V323fs, V243fs, V299fs, V322fs, V344fs, V369fs, V258fs.
Identifiers: ClinVar variation 1353501 (VCV001353501.8), dbSNP rs2154475632, ClinGen allele CA2573154024.